The following is an entry in ClinVar:

ClinVar aggregate classification (germline): Uncertain significance (1 of 4 stars; one submission).

gnomAD v4.1: 3 of 1,555,572 alleles (0.00019%); highest among the groups gnomAD compares: Non-Finnish European, 0.000086%; no homozygotes.

Submission:

Labcorp Genetics (formerly Invitae), Labcorp
Classification: Uncertain significance. Last evaluated: 2025-09-29. Review status: criteria provided, single submitter. Criteria: Invitae Variant Classification Sherloc (09022015). Collection method: clinical testing. Allele origin: germline.
Comment: This sequence change replaces proline, which is neutral and non-polar, with arginine, which is basic and polar, at codon 110 of the RELB protein (p.Pro110Arg). This variant is not present in population databases (gnomAD no frequency). This variant has not been reported in the literature in individuals affected with RELB-related conditions. An algorithm developed to predict the effect of missense changes on protein structure and function (PolyPhen-2) suggests that this variant is likely to be tolerated. In summary, the available evidence is currently insufficient to determine the role of this variant in disease. Therefore, it has been classified as a Variant of Uncertain Significance.

NM_006509.4(RELB):c.329C>G (p.Pro110Arg)

Gene: RELB (RELB proto-oncogene, NF-kB subunit; plus strand). Cytogenetic location: 19q13.32.
Variant type: single nucleotide variant.
Coding change: c.329C>G on transcript NM_006509.4 (MANE Select); coding-DNA position 329, C replaced by G.
Protein change: p.Pro110Arg; replaces proline 110 with arginine.
Molecular consequence: missense variant.
Genome position (GRCh38, 1-based): chr19:45,012,101, C>G. VCF-style: chr19-45012101-C-G. GRCh37 (hg19) VCF-style: chr19-45515359-C-G.
Other names: c.320C>G, p.Pro107Arg (NM_001411087.1); short protein forms P107R, P110R.
Identifiers: ClinVar variation 4701939 (VCV004701939.1).